The following is an entry in ClinVar:

NM_015047.3(EMC1):c.1148G>A (p.Gly383Asp)

Genes: EMC1 (ER membrane protein complex subunit 1; minus strand), EMC1-AS1 (EMC1 antisense RNA 1; plus strand). Cytogenetic location: 1p36.13.
Variant type: single nucleotide variant.
Coding change: c.1148G>A on transcript NM_015047.3 (MANE Select); coding-DNA position 1148, G replaced by A.
Protein change: p.Gly383Asp; replaces glycine 383 with aspartic acid.
Molecular consequence: missense variant.
Genome position (GRCh38, 1-based): chr1:19,238,081, C>T on the plus strand (G>A on the coding strand, the complement: EMC1 is on the minus strand). VCF-style: chr1-19238081-C-T. GRCh37 (hg19) VCF-style: chr1-19564575-C-T.
Other names: c.1145G>A, p.Gly382Asp (NM_001271427.2, NM_001375821.1); c.1148G>A, p.Gly383Asp (NM_001271428.2, NM_001375820.1); c.1082G>A, p.Gly361Asp (NM_001271429.2); short protein forms G361D, G382D, G383D.
Identifiers: ClinVar variation 3766386 (VCV003766386.1).

ClinVar aggregate classification (germline): Uncertain significance (1 of 4 stars; one submission).

gnomAD v4.1: 2 of 1,614,170 alleles (0.00012%); highest among the groups gnomAD compares: Non-Finnish European, 0.00017%; no homozygotes.

Submission:

GeneDx
Classification: Uncertain significance. Last evaluated: 2024-08-29. Review status: criteria provided, single submitter. Criteria: GeneDx Variant Classification Process June 2021. Collection method: clinical testing. Allele origin: germline. Affected: yes.
Comment: Not observed at significant frequency in large population cohorts (gnomAD); In silico analysis supports that this missense variant has a deleterious effect on protein structure/function; Has not been previously published as pathogenic or benign to our knowledge